The following is an entry in ClinVar:

ClinVar aggregate classification (germline): Conflicting classifications of pathogenicity. Review status: criteria provided, conflicting classifications (1 of 4 stars). 3 submissions from 3 submitters: Uncertain significance (1); Likely benign (1). 1 of the submissions does not count toward it. Last evaluated 2025-11-23.

Conditions:
Intellectual disability. Also called: Intellectual functioning disability; Intellectual developmental disorder; intellectual disabilities. Identifiers: MedGen C3714756, MeSH D008607, MONDO:0001071, HP:0001249.

Allele frequency attached by ClinVar (database versions not stated): gnomAD 0.00002 and 0.00003; gnomAD exomes 0.00002; TOPMed 0.00002; ExAC 0.00003.
gnomAD v4.1: 38 of 1,610,942 alleles (0.0024%); highest among the groups gnomAD compares: Middle Eastern, 0.017%; no homozygotes.

Submissions (3):

Labcorp Genetics (formerly Invitae), Labcorp
Classification: Uncertain significance. Last evaluated: 2025-11-23. Review status: criteria provided, single submitter. Criteria: Invitae Variant Classification Sherloc (09022015). Collection method: clinical testing. Allele origin: germline.
Comment: This sequence change replaces arginine, which is basic and polar, with glutamine, which is neutral and polar, at codon 923 of the KMT2B protein (p.Arg923Gln). This variant is present in population databases (rs754812892, gnomAD 0.005%). This variant has not been reported in the literature in individuals affected with KMT2B-related conditions. ClinVar contains an entry for this variant (Variation ID: 975735). Invitae Evidence Modeling of protein sequence and biophysical properties (such as structural, functional, and spatial information, amino acid conservation, physicochemical variation, residue mobility, and thermodynamic stability) indicates that this missense variant is not expected to disrupt KMT2B protein function with a negative predictive value of 80%. In summary, the available evidence is currently insufficient to determine the role of this variant in disease. Therefore, it has been classified as a Variant of Uncertain Significance.

Blueprint Genetics
Classification: Likely benign. Last evaluated: 2022-07-26. Review status: criteria provided, single submitter. Criteria: ACMG Guidelines, 2015. Collection method: clinical testing. Allele origin: germline.

Centre de Biologie Pathologie Génétique, Centre Hospitalier Universitaire de Lille
Classification: Likely benign for Intellectual disability. Last evaluated: 2019-01-01. Review status: no assertion criteria provided. Collection method: clinical testing. Allele origin: inherited. Affected: yes. Not counted in ClinVar's aggregate classification.

NM_014727.3(KMT2B):c.2768G>A (p.Arg923Gln)

Gene: KMT2B (lysine methyltransferase 2B; plus strand). Cytogenetic location: 19q13.12.
Variant type: single nucleotide variant.
Coding change: c.2768G>A on transcript NM_014727.3 (MANE Select); coding-DNA position 2768, G replaced by A.
Protein change: p.Arg923Gln; replaces arginine 923 with glutamine.
Molecular consequence: missense variant.
Genome position (GRCh38, 1-based): chr19:35,723,040, G>A. VCF-style: chr19-35723040-G-A. GRCh37 (hg19) VCF-style: chr19-36213942-G-A.
Other names: short protein forms R923Q.
Identifiers: ClinVar variation 975735 (VCV000975735.5), dbSNP rs754812892, ClinGen allele CA9384572.
Genomic context (GRCh38, chr19:35,723,040, plus strand): 5'-TGCCTGCTGCAATAGATACATCATCGGCGTCCGAGACTGAGAGTGTCCCGTCACGGTCCC[G>A]GCGGGGAAAGGTGGAGGCAGCAGGCCCTGGGGGAGAATCAGAGCCCACAGGTTCTGGAGG-3'
Protein context (NP_055542.1, residues 913-933): SETESVPSRS[Arg923Gln]RGKVEAAGPG